The following is an entry in ClinVar:

NM_001083961.2(WDR62):c.3158C>G (p.Thr1053Ser)

Gene: WDR62 (WD repeat domain 62; plus strand). Cytogenetic location: 19q13.12.
Variant type: single nucleotide variant.
Coding change: c.3158C>G on transcript NM_001083961.2 (MANE Select); coding-DNA position 3158, C replaced by G.
Protein change: p.Thr1053Ser; replaces threonine 1053 with serine.
Molecular consequence: missense variant. On other transcripts: intron variant (1).
Genome position (GRCh38, 1-based): chr19:36,102,089, C>G. VCF-style: chr19-36102089-C-G. GRCh37 (hg19) VCF-style: chr19-36592991-C-G.
Other names: c.3143C>G, p.Thr1048Ser (NM_001411145.1); c.2807C>G, p.Thr936Ser (NM_001411147.1); c.3158C>G, p.Thr1053Ser (NM_173636.5); c.2972-648C>G (NM_001411146.1); short protein forms T1053S, T936S, T1048S.
Identifiers: ClinVar variation 4525764 (VCV004525764.1).

ClinVar aggregate classification (germline): Uncertain significance (1 of 4 stars; one submission).

gnomAD v4.1: 6 of 1,614,176 alleles (0.00037%); highest among the groups gnomAD compares: Non-Finnish European, 0.00051%; no homozygotes.

Submission:

Women's Health and Genetics/Laboratory Corporation of America, LabCorp
Classification: Uncertain significance. Last evaluated: 2025-07-18. Review status: criteria provided, single submitter. Criteria: LabCorp Variant Classification Summary - May 2015. Collection method: clinical testing. Allele origin: germline.
Comment: Variant summary: WDR62 c.3158C>G (p.Thr1053Ser) results in a conservative amino acid change in the encoded protein sequence. Algorithms developed to predict the effect of missense changes on protein structure and function all suggest that this variant is likely to be tolerated. The variant was absent in 251424 control chromosomes. The available data on variant occurrences in the general population are insufficient to allow any conclusion about variant significance. To our knowledge, no occurrence of c.3158C>G in individuals affected with Primary microcephaly and no experimental evidence demonstrating its impact on protein function have been reported. No submitters have cited clinical-significance assessments for this variant to ClinVar. Based on the evidence outlined above, the variant was classified as uncertain significance.